The following is an entry in ClinVar:

NM_004655.4(AXIN2):c.1512C>G (p.Gly504=)

Gene: AXIN2 (axin 2; minus strand). Cytogenetic location: 17q24.1.
Variant type: single nucleotide variant.
Coding change: c.1512C>G on transcript NM_004655.4 (MANE Select); coding-DNA position 1512, C replaced by G.
Protein change: p.Gly504=; no amino-acid change (glycine 504 retained).
Molecular consequence: synonymous variant.
Genome position (GRCh38, 1-based): chr17:65,537,524, G>C on the plus strand (C>G on the coding strand, the complement: AXIN2 is on the minus strand). VCF-style: chr17-65537524-G-C. GRCh37 (hg19) VCF-style: chr17-63533642-G-C.
Other names: c.1512C>G, p.Gly504= (NM_001363813.1).
Identifiers: ClinVar variation 3378962 (VCV003378962.2).

ClinVar aggregate classification (germline): Benign/Likely benign. Review status: criteria provided, multiple submitters, no conflicts (2 of 4 stars). 2 submissions from 2 submitters: Benign (1); Likely benign (1). Last evaluated 2024-10-31.

Conditions:
Hereditary cancer-predisposing syndrome. Also called: Neoplastic Syndromes, Hereditary; Tumor predisposition; Hereditary Cancer Syndrome; Hereditary neoplastic syndrome. Identifiers: Orphanet 140162, MedGen C0027672, MeSH D009386, MONDO:0015356.
Oligodontia-cancer predisposition syndrome. Also called: TOOTH AGENESIS-COLORECTAL CANCER SYNDROME. Identifiers: Orphanet 300576, MedGen C1837750, MONDO:0012075, OMIM 608615. Disease mechanism: loss of function.

gnomAD v4.1: 6 of 1,613,760 alleles (0.00037%); highest among the groups gnomAD compares: Non-Finnish European, 0.00051%; no homozygotes.

Submissions (2):

Ambry Genetics
Classification: Likely benign for Hereditary cancer-predisposing syndrome. Last evaluated: 2024-10-31. Review status: criteria provided, single submitter. Criteria: Ambry Variant Classification Scheme 2023. Collection method: clinical testing. Allele origin: germline.

Myriad Genetics, Inc.
Classification: Benign for Oligodontia-cancer predisposition syndrome. Last evaluated: 2024-07-03. Review status: criteria provided, single submitter. Criteria: Myriad Autosomal Dominant, Autosomal Recessive and X-Linked Classification Criteria (2023). Collection method: clinical testing. Allele origin: unknown.
Comment: This variant is considered benign. This variant is a silent/synonymous amino acid change and it is not expected to impact splicing.